The following is an entry in ClinVar:

ClinVar aggregate classification (germline): Uncertain significance (1 of 4 stars; one submission).

gnomAD v4.1: 25 of 1,604,284 alleles (0.0016%); highest among the groups gnomAD compares: African/African-American, 0.0041%; no homozygotes.

Submission:

Labcorp Genetics (formerly Invitae), Labcorp
Classification: Uncertain significance. Last evaluated: 2025-04-30. Review status: criteria provided, single submitter. Criteria: Invitae Variant Classification Sherloc (09022015). Collection method: clinical testing. Allele origin: germline.
Comment: This sequence change replaces tyrosine, which is neutral and polar, with cysteine, which is neutral and slightly polar, at codon 447 of the PRDM13 protein (p.Tyr447Cys). This variant is present in population databases (no rsID available, gnomAD 0.001%). This variant has not been reported in the literature in individuals affected with PRDM13-related conditions. An algorithm developed to predict the effect of missense changes on protein structure and function (PolyPhen-2) suggests that this variant is likely to be disruptive. In summary, the available evidence is currently insufficient to determine the role of this variant in disease. Therefore, it has been classified as a Variant of Uncertain Significance.

NM_021620.4(PRDM13):c.1340A>G (p.Tyr447Cys)

Gene: PRDM13 (PR/SET domain 13; plus strand). Cytogenetic location: 6q16.2.
Variant type: single nucleotide variant.
Coding change: c.1340A>G on transcript NM_021620.4 (MANE Select); coding-DNA position 1340, A replaced by G.
Protein change: p.Tyr447Cys; replaces tyrosine 447 with cysteine.
Molecular consequence: missense variant.
Genome position (GRCh38, 1-based): chr6:99,613,975, A>G. VCF-style: chr6-99613975-A-G. GRCh37 (hg19) VCF-style: chr6-100061851-A-G.
Other names: short protein forms Y447C.
Identifiers: ClinVar variation 4775070 (VCV004775070.1).